The following is an entry in ClinVar:

NM_006019.4(TCIRG1):c.1793C>G (p.Ala598Gly)

Gene: TCIRG1 (T cell immune regulator 1, ATPase H+ transporting V0 subunit a3; plus strand). Cytogenetic location: 11q13.2.
Variant type: single nucleotide variant.
Coding change: c.1793C>G on transcript NM_006019.4 (MANE Select); coding-DNA position 1793, C replaced by G.
Protein change: p.Ala598Gly; replaces alanine 598 with glycine.
Molecular consequence: missense variant.
Genome position (GRCh38, 1-based): chr11:68,049,200, C>G. VCF-style: chr11-68049200-C-G. GRCh37 (hg19) VCF-style: chr11-67816667-C-G.
Other names: c.899C>G, p.Ala300Gly (NM_001351059.2); c.1145C>G, p.Ala382Gly (NM_006053.4); short protein forms A300G, A382G, A598G.
Identifiers: ClinVar variation 1049491 (VCV001049491.1), dbSNP rs1188086312, ClinGen allele CA381586909.
Genomic context (GRCh38, chr11:68,049,200, plus strand): 5'-TGGGACTCTTCGGTTACCTCGTGTTCCTAGTCATCTACAAGTGGCTGTGTGTCTGGGCTG[C>G]CAGGGCCGCCTCGGCCCCCAGCATCCTCATCCACTTCATCAACATGTTCCTCTTCTCCCA-3'
Protein context (NP_006010.2, residues 588-608): VIYKWLCVWA[Ala598Gly]RAASAPSILI

ClinVar aggregate classification (germline): Uncertain significance (0 of 4 stars; one submission).

Allele frequency attached by ClinVar (database versions not stated): TOPMed below 0.00001.
gnomAD v4.1: 1 of 1,613,846 alleles (0.000062%); no homozygotes.

Submission:

Department of Pathology and Laboratory Medicine, Sinai Health System
Classification: Uncertain significance. Review status: no assertion criteria provided. Collection method: clinical testing. Allele origin: unknown. Affected: yes. Study: The Canadian Open Genetics Repository (COGR).
Comment: The TCIRG1 p.Ala300Gly variant was not identified in the literature nor was it identified in dbSNP, ClinVar, Cosmic or LOVD 3.0. The variant was also not identified in the following control databases: the 1000 Genomes Project, the NHLBI GO Exome Sequencing Project, the Exome Aggregation Consortium (August 8th 2016), or the Genome Aggregation Database (Feb 27, 2017). The variant occurs outside of the splicing consensus sequence and 3 of 4 in silico or computational prediction software programs (MaxEntScan, NNSPLICE, GeneSplicer) do not predict a greater than 10% difference in splicing. The p.Ala300 residue is conserved in in mammals but not in more distantly related organisms however computational analyses (PolyPhen-2, SIFT, AlignGVGD, BLOSUM, MutationTaster) do not suggest a high likelihood of impact to the protein; this information is not predictive enough to rule out pathogenicity. In summary, based on the above information the clinical significance of this variant cannot be determined with certainty at this time. This variant is classified as a variant of uncertain significance.